The following is an entry in ClinVar:

NM_014915.3(ANKRD26):c.2570A>C (p.Glu857Ala)

Gene: ANKRD26 (ankyrin repeat domain containing 26; minus strand). Cytogenetic location: 10p12.1.
Variant type: single nucleotide variant.
Coding change: c.2570A>C on transcript NM_014915.3 (MANE Select); coding-DNA position 2570, A replaced by C.
Protein change: p.Glu857Ala; replaces glutamic acid 857 with alanine.
Molecular consequence: missense variant.
Genome position (GRCh38, 1-based): chr10:27,037,313, T>G on the plus strand (A>C on the coding strand, the complement: ANKRD26 is on the minus strand). VCF-style: chr10-27037313-T-G. GRCh37 (hg19) VCF-style: chr10-27326242-T-G.
Other names: c.2567A>C, p.Glu856Ala (NM_001256053.2); short protein forms E856A, E857A.
Identifiers: ClinVar variation 4083151 (VCV004083151.1).

ClinVar aggregate classification (germline): Uncertain significance (1 of 4 stars; one submission).

Submission:

GeneDx
Classification: Uncertain significance. Last evaluated: 2025-03-07. Review status: criteria provided, single submitter. Criteria: GeneDx Variant Classification Process June 2021. Collection method: clinical testing. Allele origin: germline. Affected: yes.
Comment: Not observed at significant frequency in large population cohorts (gnomAD); In silico analysis supports that this missense variant has a deleterious effect on protein structure/function; Has not been previously published as pathogenic or benign to our knowledge